The following is an entry in ClinVar:

NM_000553.6(WRN):c.2616C>G (p.Asp872Glu)

Gene: WRN (WRN RecQ like helicase; plus strand). Cytogenetic location: 8p12.
Variant type: single nucleotide variant.
Coding change: c.2616C>G on transcript NM_000553.6 (MANE Select); coding-DNA position 2616, C replaced by G.
Protein change: p.Asp872Glu; replaces aspartic acid 872 with glutamic acid.
Molecular consequence: missense variant.
Genome position (GRCh38, 1-based): chr8:31,120,410, C>G. VCF-style: chr8-31120410-C-G. GRCh37 (hg19) VCF-style: chr8-30977926-C-G.
Other names: short protein forms D872E.
Identifiers: ClinVar variation 1720899 (VCV001720899.5), dbSNP rs2535986933, ClinGen allele CA370915802.

ClinVar aggregate classification (germline): Uncertain significance (1 of 4 stars; one submission).

Conditions:
Werner syndrome (WRN). Identifiers: Orphanet 902, MedGen C0043119, MONDO:0010196, OMIM 277700.

Allele frequency attached by ClinVar (database versions not stated): gnomAD exomes below 0.00001.
gnomAD v4.1: 1 of 1,612,206 alleles (0.000062%); highest among the groups gnomAD compares: Non-Finnish European, 0.000085%; no homozygotes.

Submission:

Labcorp Genetics (formerly Invitae), Labcorp
Classification: Uncertain significance for Werner syndrome. Last evaluated: 2022-10-03. Review status: criteria provided, single submitter. Criteria: Invitae Variant Classification Sherloc (09022015). Collection method: clinical testing. Allele origin: germline.
Comment: This variant has not been reported in the literature in individuals affected with WRN-related conditions. This variant is not present in population databases (gnomAD no frequency). This sequence change replaces aspartic acid, which is acidic and polar, with glutamic acid, which is acidic and polar, at codon 872 of the WRN protein (p.Asp872Glu). Algorithms developed to predict the effect of missense changes on protein structure and function are either unavailable or do not agree on the potential impact of this missense change (SIFT: "Not Available"; PolyPhen-2: "Probably Damaging"; Align-GVGD: "Not Available"). In summary, the available evidence is currently insufficient to determine the role of this variant in disease. Therefore, it has been classified as a Variant of Uncertain Significance.